The following is an entry in ClinVar:

ClinVar aggregate classification (germline): Uncertain significance. Review status: criteria provided, multiple submitters, no conflicts (2 of 4 stars). 3 submissions from 3 submitters: Uncertain significance (3). Last evaluated 2025-02-20.

Conditions:
Charcot-Marie-Tooth disease axonal type 2O. Also called: CHARCOT-MARIE-TOOTH NEUROPATHY, AXONAL, TYPE 2O; CHARCOT-MARIE-TOOTH DISEASE, AXONAL, AUTOSOMAL DOMINANT, TYPE 2O; Charcot-Marie-Tooth Neuropathy Type 2O; Charcot-Marie-Tooth disease, axonal, type 20. Identifiers: Orphanet 284232, MedGen C3280220, MONDO:0013644, OMIM 614228.

Allele frequency attached by ClinVar (database versions not stated): gnomAD exomes below 0.00001.
gnomAD v4.1: 1 of 1,612,234 alleles (0.000062%); highest among the groups gnomAD compares: Non-Finnish European, 0.000085%; no homozygotes.

Submissions (3):

Labcorp Genetics (formerly Invitae), Labcorp
Classification: Uncertain significance for Charcot-Marie-Tooth disease axonal type 2O. Last evaluated: 2025-02-20. Review status: criteria provided, single submitter. Criteria: Invitae Variant Classification Sherloc (09022015). Collection method: clinical testing. Allele origin: germline.
Comment: This sequence change replaces threonine, which is neutral and polar, with alanine, which is neutral and non-polar, at codon 4394 of the DYNC1H1 protein (p.Thr4394Ala). This variant is not present in population databases (gnomAD no frequency). This variant has not been reported in the literature in individuals affected with DYNC1H1-related conditions. ClinVar contains an entry for this variant (Variation ID: 539757). Invitae Evidence Modeling of protein sequence and biophysical properties (such as structural, functional, and spatial information, amino acid conservation, physicochemical variation, residue mobility, and thermodynamic stability) indicates that this missense variant is not expected to disrupt DYNC1H1 protein function with a negative predictive value of 95%. In summary, the available evidence is currently insufficient to determine the role of this variant in disease. Therefore, it has been classified as a Variant of Uncertain Significance.

Blueprint Genetics
Classification: Uncertain significance. Last evaluated: 2021-10-20. Review status: criteria provided, single submitter. Criteria: ACMG Guidelines, 2015. Collection method: clinical testing. Allele origin: germline.

Revvity Omics, Revvity
Classification: Uncertain significance. Last evaluated: 2020-02-18. Review status: criteria provided, single submitter. Criteria: ACMG Guidelines, 2015. Collection method: clinical testing. Allele origin: germline.

NM_001376.5(DYNC1H1):c.13180A>G (p.Thr4394Ala)

Gene: DYNC1H1 (dynein cytoplasmic 1 heavy chain 1; plus strand). Cytogenetic location: 14q32.31.
Variant type: single nucleotide variant.
Coding change: c.13180A>G on transcript NM_001376.5 (MANE Select); coding-DNA position 13180, A replaced by G.
Protein change: p.Thr4394Ala; replaces threonine 4394 with alanine.
Molecular consequence: missense variant.
Genome position (GRCh38, 1-based): chr14:102,047,990, A>G. VCF-style: chr14-102047990-A-G. GRCh37 (hg19) VCF-style: chr14-102514327-A-G.
Other names: short protein forms T4394A.
Identifiers: ClinVar variation 539757 (VCV000539757.12), dbSNP rs1555412552, ClinGen allele CA391046628.